The following is an entry in ClinVar:

NM_024642.5(GALNT12):c.511G>A (p.Val171Met)

Gene: GALNT12 (polypeptide N-acetylgalactosaminyltransferase 12; plus strand). Cytogenetic location: 9q22.33.
Variant type: single nucleotide variant.
Coding change: c.511G>A on transcript NM_024642.5 (MANE Select); coding-DNA position 511, G replaced by A.
Protein change: p.Val171Met; replaces valine 171 with methionine.
Molecular consequence: missense variant.
Genome position (GRCh38, 1-based): chr9:98,823,395, G>A. VCF-style: chr9-98823395-G-A. GRCh37 (hg19) VCF-style: chr9-101585677-G-A.
Other names: short protein forms V171M.
Identifiers: ClinVar variation 3227951 (VCV003227951.1), dbSNP rs1212298596, ClinGen allele CA374216852.

ClinVar aggregate classification (germline): Uncertain significance (1 of 4 stars; one submission).

Allele frequency attached by ClinVar (database versions not stated): gnomAD 0.00001.

Submission:

Ambry Genetics
Classification: Uncertain significance. Last evaluated: 2023-12-10. Review status: criteria provided, single submitter. Criteria: Ambry Variant Classification Scheme 2023. Collection method: clinical testing. Allele origin: germline.
Comment: The p.V171M variant (also known as c.511G>A), located in coding exon 2 of the GALNT12 gene, results from a G to A substitution at nucleotide position 511. The valine at codon 171 is replaced by methionine, an amino acid with highly similar properties. This amino acid position is conserved. In addition, the in silico prediction for this alteration is inconclusive. Since supporting evidence is limited at this time, the clinical significance of this alteration remains unclear.